The following is an entry in ClinVar:

NM_006397.3(RNASEH2A):c.142G>A (p.Ala48Thr)

Gene: RNASEH2A (ribonuclease H2 subunit A; plus strand). Cytogenetic location: 19p13.13.
Variant type: single nucleotide variant.
Coding change: c.142G>A on transcript NM_006397.3 (MANE Select); coding-DNA position 142, G replaced by A.
Protein change: p.Ala48Thr; replaces alanine 48 with threonine.
Molecular consequence: missense variant.
Genome position (GRCh38, 1-based): chr19:12,807,022, G>A. VCF-style: chr19-12807022-G-A. GRCh37 (hg19) VCF-style: chr19-12917836-G-A.
Other names: short protein forms A48T.
Identifiers: ClinVar variation 951485 (VCV000951485.8), dbSNP rs777734868, ClinGen allele CA9231754.

ClinVar aggregate classification (germline): Uncertain significance (1 of 4 stars; one submission).

Conditions:
Aicardi-Goutieres syndrome 4. Identifiers: Orphanet 51, MedGen C1835912, MONDO:0012472, OMIM 610333.

Allele frequency attached by ClinVar (database versions not stated): gnomAD exomes below 0.00001 and 0.00001; ExAC 0.00001; TOPMed 0.00001.
gnomAD v4.1: 1 of 1,613,976 alleles (0.000062%); highest among the groups gnomAD compares: East Asian, 0.0022%; no homozygotes.

Submission:

Labcorp Genetics (formerly Invitae), Labcorp
Classification: Uncertain significance for Aicardi-Goutieres syndrome 4. Last evaluated: 2021-03-10. Review status: criteria provided, single submitter. Criteria: Invitae Variant Classification Sherloc (09022015). Collection method: clinical testing. Allele origin: germline.
Comment: Algorithms developed to predict the effect of missense changes on protein structure and function are either unavailable or do not agree on the potential impact of this missense change (SIFT: "Deleterious"; PolyPhen-2: "Possibly Damaging"; Align-GVGD: "Class C0"). In summary, the available evidence is currently insufficient to determine the role of this variant in disease. Therefore, it has been classified as a Variant of Uncertain Significance. This variant has not been reported in the literature in individuals with RNASEH2A-related conditions. This variant is present in population databases (rs777734868, ExAC 0.01%). This sequence change replaces alanine with threonine at codon 48 of the RNASEH2A protein (p.Ala48Thr). The alanine residue is moderately conserved and there is a small physicochemical difference between alanine and threonine.